The following is an entry in ClinVar:

NM_130837.3(OPA1):c.685C>A (p.Leu229Ile)

Genes: OPA1 (OPA1 mitochondrial dynamin like GTPase; plus strand), OPA1-AS1 (OPA1 antisense RNA 1; minus strand). Cytogenetic location: 3q29.
Variant type: single nucleotide variant.
Coding change: c.685C>A on transcript NM_130837.3 (MANE Select); coding-DNA position 685, C replaced by A.
Protein change: p.Leu229Ile; replaces leucine 229 with isoleucine.
Molecular consequence: missense variant. On other transcripts: intron variant (5).
Genome position (GRCh38, 1-based): chr3:193,626,098, C>A. VCF-style: chr3-193626098-C-A. GRCh37 (hg19) VCF-style: chr3-193343887-C-A.
Other names: c.151C>A, p.Leu51Ile (NM_001354663.2); c.523C>A, p.Leu175Ile (NM_130833.3); c.577C>A, p.Leu193Ile (NM_130835.3); c.631C>A, p.Leu211Ile (NM_130836.3); c.253-5514C>A (NM_001354664.2); c.679-5514C>A (NM_130834.3); c.625-5514C>A (NM_015560.3); c.571-5514C>A (NM_130832.3); and 1 more; short protein forms L229I, L51I, L175I, L193I, L211I.
Identifiers: ClinVar variation 757716 (VCV000757716.7), dbSNP rs764955203, ClinGen allele CA2759115.
Genomic context (GRCh38, chr3:193,626,098, plus strand): 5'-TAACATTATTCTCCTCCCCAATTTCCTCTTCTCCTCATTGTGAACTCGTGGCAGGGTCTG[C>A]TTGGTGAGCTCATTCTCTTACAACAACAAATTCAAGAGCATGAAGAGGAAGCGCGCAGAG-3'
Protein context (NP_570850.2, residues 219-239): ESDKHFRKGL[Leu229Ile]GELILLQQQI

ClinVar aggregate classification (germline): Uncertain significance (1 of 4 stars; one submission).

Allele frequency attached by ClinVar (database versions not stated): gnomAD exomes below 0.00001; ExAC 0.00001.
gnomAD v4.1: 3 of 1,613,612 alleles (0.00019%); highest among the groups gnomAD compares: Non-Finnish European, 0.00025%; no homozygotes.

Submission:

Labcorp Genetics (formerly Invitae), Labcorp
Classification: Uncertain significance. Last evaluated: 2025-10-02. Review status: criteria provided, single submitter. Criteria: Invitae Variant Classification Sherloc (09022015). Collection method: clinical testing. Allele origin: germline.
Comment: The OPA1 gene has multiple clinically relevant transcripts. This variant occurs in alternate transcript NM_130837.2, and corresponds to NM_015560.2:c.625-5514C>A in the primary transcript. This sequence change replaces leucine, which is neutral and non-polar, with isoleucine, which is neutral and non-polar, at codon 229 of the OPA1 protein (p.Leu229Ile). This variant is present in population databases (rs764955203, gnomAD 0.0009%). This variant has not been reported in the literature in individuals affected with OPA1-related conditions. ClinVar contains an entry for this variant (Variation ID: 757716). Experimental studies and prediction algorithms are not available or were not evaluated, and the functional significance of this variant is currently unknown. Algorithms developed to predict the effect of sequence changes on RNA splicing suggest that this variant is not likely to affect RNA splicing. In summary, the available evidence is currently insufficient to determine the role of this variant in disease. Therefore, it has been classified as a Variant of Uncertain Significance.